The following is an entry in ClinVar:

ClinVar aggregate classification (germline): Uncertain significance. Review status: criteria provided, multiple submitters, no conflicts (2 of 4 stars). 3 submissions from 3 submitters: Uncertain significance (3). Last evaluated 2025-05-08.

Conditions:
Hereditary cancer-predisposing syndrome. Also called: Neoplastic Syndromes, Hereditary; Hereditary Cancer Syndrome; Tumor predisposition; Hereditary neoplastic syndrome. Identifiers: Orphanet 140162, MedGen C0027672, MeSH D009386, MONDO:0015356.
Hereditary breast ovarian cancer syndrome. Also called: Hereditary breast and ovarian cancer syndrome; Hereditary breast and ovarian cancer syndrome (HBOC); Hereditary breast and/or ovarian cancer syndrome; Hereditary breast and ovarian cancer; Breast and ovarian cancer; BRCA1- and BRCA2-Associated Hereditary Breast and Ovarian Cancer. Identifiers: Orphanet 145, MedGen C0677776, MeSH D061325, MONDO:0003582. Disease mechanism: loss of function.

Submissions (3):

Ambry Genetics
Classification: Uncertain significance for Hereditary cancer-predisposing syndrome. Last evaluated: 2025-05-08. Review status: criteria provided, single submitter. Criteria: Ambry Variant Classification Scheme 2023. Collection method: clinical testing. Allele origin: germline.
Comment: The p.P142T variant (also known as c.424C>A), located in coding exon 5 of the BRCA1 gene, results from a C to A substitution at nucleotide position 424. The proline at codon 142 is replaced by threonine, an amino acid with highly similar properties. This amino acid position is not well conserved in available vertebrate species. In addition, this alteration is predicted to be deleterious by in silico analysis. Based on the available evidence, the clinical significance of this variant remains unclear.

Labcorp Genetics (formerly Invitae), Labcorp
Classification: Uncertain significance for Hereditary breast ovarian cancer syndrome. Last evaluated: 2021-10-13. Review status: criteria provided, single submitter. Criteria: Invitae Variant Classification Sherloc (09022015). Collection method: clinical testing. Allele origin: germline.
Comment: This variant is not present in population databases (ExAC no frequency). This sequence change replaces proline with threonine at codon 142 of the BRCA1 protein (p.Pro142Thr). The proline residue is moderately conserved and there is a small physicochemical difference between proline and threonine. This variant has not been reported in the literature in individuals affected with BRCA1-related conditions. In summary, the available evidence is currently insufficient to determine the role of this variant in disease. Therefore, it has been classified as a Variant of Uncertain Significance. Advanced modeling of protein sequence and biophysical properties (such as structural, functional, and spatial information, amino acid conservation, physicochemical variation, residue mobility, and thermodynamic stability) performed at Invitae indicates that this missense variant is not expected to disrupt BRCA1 protein function. ClinVar contains an entry for this variant (Variation ID: 928212).

Color Diagnostics, LLC DBA Color Health
Classification: Uncertain significance for Hereditary cancer-predisposing syndrome. Last evaluated: 2019-01-25. Review status: criteria provided, single submitter. Criteria: ACMG Guidelines, 2015. Collection method: clinical testing. Allele origin: germline.

NM_007294.4(BRCA1):c.424C>A (p.Pro142Thr)

Gene: BRCA1 (BRCA1 DNA repair associated; minus strand). Cytogenetic location: 17q21.31.
Variant type: single nucleotide variant.
Coding change: c.424C>A on transcript NM_007294.4 (MANE Select); coding-DNA position 424, C replaced by A.
Protein change: p.Pro142Thr; replaces proline 142 with threonine.
Molecular consequence: missense variant. On other transcripts: non-coding transcript variant (1).
Genome position (GRCh38, 1-based): chr17:43,104,139, G>T on the plus strand (C>A on the coding strand, the complement: BRCA1 is on the minus strand). VCF-style: chr17-43104139-G-T. GRCh37 (hg19) VCF-style: chr17-41256156-G-T.
Other names: c.424C>A, p.Pro142Thr (NM_001407591.1, NM_001407593.1, NM_001407603.1 and 165 more transcripts); c.283C>A, p.Pro95Thr (NM_001407752.1, NM_001408503.1, NM_001408504.1 and 99 more transcripts); c.214C>A, p.Pro72Thr (NM_001408502.1, NM_001408506.1, NM_001408507.1 and 58 more transcripts); c.346C>A, p.Pro116Thr (NM_001407862.1, NM_001407874.1, NM_001407875.1 and 21 more transcripts); c.415C>A, p.Pro139Thr (NM_001407646.1, NM_001407647.1, NM_001408408.1); c.43C>A, p.Pro15Thr (NM_001407959.1, NM_001407960.1, NM_001407962.1 and 4 more transcripts); c.292C>A, p.Pro98Thr (NM_001408451.1); short protein forms P142T, P95T, P15T, P72T, P139T, P98T, P116T.
Identifiers: ClinVar variation 928212 (VCV000928212.10), dbSNP rs397509156, ClinGen allele CA10601298.
Genomic context (GRCh38, chr17:43,104,139, plus strand): 5'-AAGAAAAGAAGAAGAAGAAGAAGAAGAAAACAAATGGTTTTACCAAGGAAGGATTTTCGG[G>T]TTCACTCTGTAGAAGTCTTTTGGCACGGTTTCTGTAGCCCATACTTTGGATGATAGAAAC-3'
Protein context (NP_009225.1, residues 132-152): NRAKRLLQSE[Pro142Thr]ENPSLQETSL